The following is an entry in ClinVar:

ClinVar aggregate classification (germline): Uncertain significance (1 of 4 stars; one submission).

Allele frequency attached by ClinVar (database versions not stated): gnomAD exomes below 0.00001; ExAC 0.00001; gnomAD 0.00001; TOPMed 0.00002.
gnomAD v4.1: 1 of 1,613,886 alleles (0.000062%); highest among the groups gnomAD compares: African/African-American, 0.0013%; no homozygotes.

Submission:

Greenwood Genetic Center Diagnostic Laboratories, Greenwood Genetic Center
Classification: Uncertain significance. Last evaluated: 2021-02-12. Review status: criteria provided, single submitter. Criteria: ACMG Guidelines, 2015. Collection method: clinical testing. Allele origin: germline. Affected: yes.
Comment: PM2

NM_001287491.2(TET3):c.1395G>T (p.Gln465His)

Gene: TET3 (tet methylcytosine dioxygenase 3; plus strand). Cytogenetic location: 2p13.1.
Variant type: single nucleotide variant.
Coding change: c.1395G>T on transcript NM_001287491.2 (MANE Select); coding-DNA position 1395, G replaced by T.
Protein change: p.Gln465His; replaces glutamine 465 with histidine.
Molecular consequence: missense variant.
Genome position (GRCh38, 1-based): chr2:74,047,312, G>T. VCF-style: chr2-74047312-G-T. GRCh37 (hg19) VCF-style: chr2-74274439-G-T.
Other names: c.1116G>T, p.Gln372His (NM_001366022.1); short protein forms Q372H, Q465H.
Identifiers: ClinVar variation 1331575 (VCV001331575.4), dbSNP rs747719049, ClinGen allele CA1718596.